The following is an entry in ClinVar:

ClinVar aggregate classification (germline): Uncertain significance (1 of 4 stars; one submission).

Submission:

Women's Health and Genetics/Laboratory Corporation of America, LabCorp
Classification: Uncertain significance. Last evaluated: 2026-02-09. Review status: criteria provided, single submitter. Criteria: LabCorp Variant Classification Summary - May 2015. Collection method: clinical testing. Allele origin: germline.
Comment: Variant summary: COL4A3 c.2476A>G (p.Lys826Glu) results in a conservative amino acid change in the encoded protein sequence. Algorithms developed to predict the effect of missense changes on protein structure and function all suggest that this variant is likely to be tolerated. The variant was absent in 167208 control chromosomes. The available data on variant occurrences in the general population are insufficient to allow any conclusion about variant significance. To our knowledge, no occurrence of c.2476A>G in individuals affected with COL4A3-related conditions and no experimental evidence demonstrating its impact on protein function have been reported. No submitters have cited clinical-significance assessments for this variant to ClinVar. Based on the evidence outlined above, the variant was classified as uncertain significance.

NM_000091.5(COL4A3):c.2476A>G (p.Lys826Glu)

Genes: COL4A3 (collagen type IV alpha 3 chain; plus strand), MFF-DT (MFF divergent transcript; minus strand). Cytogenetic location: 2q36.3.
Variant type: single nucleotide variant.
Coding change: c.2476A>G on transcript NM_000091.5 (MANE Select); coding-DNA position 2476, A replaced by G.
Protein change: p.Lys826Glu; replaces lysine 826 with glutamic acid.
Molecular consequence: missense variant.
Genome position (GRCh38, 1-based): chr2:227,280,994, A>G. VCF-style: chr2-227280994-A-G. GRCh37 (hg19) VCF-style: chr2-228145710-A-G.
Other names: short protein forms K826E.
Identifiers: ClinVar variation 4847972 (VCV004847972.1).